The following is an entry in ClinVar:

NM_017636.4(TRPM4):c.3527A>C (p.Glu1176Ala)

Gene: TRPM4 (transient receptor potential cation channel subfamily M member 4; plus strand). Cytogenetic location: 19q13.33.
Variant type: single nucleotide variant.
Coding change: c.3527A>C on transcript NM_017636.4 (MANE Select); coding-DNA position 3527, A replaced by C.
Protein change: p.Glu1176Ala; replaces glutamic acid 1176 with alanine.
Molecular consequence: missense variant.
Genome position (GRCh38, 1-based): chr19:49,211,080, A>C. VCF-style: chr19-49211080-A-C. GRCh37 (hg19) VCF-style: chr19-49714337-A-C.
Other names: c.3092A>C, p.Glu1031Ala (NM_001195227.2); c.3182A>C, p.Glu1061Ala (NM_001321281.2); c.1919A>C, p.Glu640Ala (NM_001321282.2); c.3005A>C, p.Glu1002Ala (NM_001321283.2); c.2465A>C, p.Glu822Ala (NM_001321285.2); short protein forms E1002A, E1031A, E1061A, E640A, E1176A, E822A.
Identifiers: ClinVar variation 1732308 (VCV001732308.2), dbSNP rs2514244397, ClinGen allele CA406773487.

ClinVar aggregate classification (germline): Uncertain significance (1 of 4 stars; one submission).

Conditions:
Cardiovascular phenotype. Identifiers: MedGen CN230736.

Submission:

Ambry Genetics
Classification: Uncertain significance for Cardiovascular phenotype. Last evaluated: 2020-05-21. Review status: criteria provided, single submitter. Criteria: Ambry Variant Classification Scheme 2023. Collection method: clinical testing. Allele origin: germline.
Comment: The p.E1176A variant (also known as c.3527A>C), located in coding exon 23 of the TRPM4 gene, results from an A to C substitution at nucleotide position 3527. The glutamic acid at codon 1176 is replaced by alanine, an amino acid with dissimilar properties. This amino acid position is well conserved in available vertebrate species. In addition, this alteration is predicted to be tolerated by in silico analysis. Since supporting evidence is limited at this time, the clinical significance of this alteration remains unclear.